The following is an entry in ClinVar:

ClinVar aggregate classification (germline): Uncertain significance (1 of 4 stars; one submission).

Submission:

Labcorp Genetics (formerly Invitae), Labcorp
Classification: Uncertain significance. Last evaluated: 2022-07-05. Review status: criteria provided, single submitter. Criteria: Invitae Variant Classification Sherloc (09022015). Collection method: clinical testing. Allele origin: germline.
Comment: In summary, the available evidence is currently insufficient to determine the role of this variant in disease. Therefore, it has been classified as a Variant of Uncertain Significance. Algorithms developed to predict the effect of missense changes on protein structure and function output the following: SIFT: "Tolerated"; PolyPhen-2: "Benign"; Align-GVGD: "Class C0". The alanine amino acid residue is found in multiple mammalian species, which suggests that this missense change does not adversely affect protein function. ClinVar contains an entry for this variant (Variation ID: 1038170). This variant has not been reported in the literature in individuals affected with TTLL5-related conditions. This variant is not present in population databases (gnomAD no frequency). This sequence change replaces proline, which is neutral and non-polar, with alanine, which is neutral and non-polar, at codon 630 of the TTLL5 protein (p.Pro630Ala).

NM_015072.5(TTLL5):c.1888C>G (p.Pro630Ala)

Gene: TTLL5 (tubulin tyrosine ligase like 5; plus strand). Cytogenetic location: 14q24.3.
Variant type: single nucleotide variant.
Coding change: c.1888C>G on transcript NM_015072.5 (MANE Select); coding-DNA position 1888, C replaced by G.
Protein change: p.Pro630Ala; replaces proline 630 with alanine.
Molecular consequence: missense variant.
Genome position (GRCh38, 1-based): chr14:75,766,241, C>G. VCF-style: chr14-75766241-C-G. GRCh37 (hg19) VCF-style: chr14-76232584-C-G.
Other names: short protein forms P630A.
Identifiers: ClinVar variation 1038170 (VCV001038170.8), dbSNP rs1890964850, ClinGen allele CA390467455.